The following is an entry in ClinVar:

ClinVar aggregate classification (germline): Likely benign (1 of 4 stars; one submission).

Allele frequency attached by ClinVar (database versions not stated): 1000 Genomes Project 0.00140; 1000 Genomes Project 30x 0.00172; ESP Exome Variant Server 0.00270; gnomAD 0.00354; TOPMed 0.00354; ExAC 0.00359.
gnomAD v4.1: 6,442 of 1,474,392 alleles (0.44%); highest among the groups gnomAD compares: South Asian, 0.45%; 27 homozygotes.

Submission:

CeGaT Center for Human Genetics Tuebingen
Classification: Likely benign. Last evaluated: 2023-04-01. Review status: criteria provided, single submitter. Criteria: CeGaT Center For Human Genetics Tuebingen Variant Classification Criteria Version 2. Collection method: clinical testing. Allele origin: germline. Affected: yes. Observed: 1 variant allele.
Comment: SYCP1: BP4, BS2

NM_003176.4(SYCP1):c.2578C>T (p.Pro860Ser)

Gene: SYCP1 (synaptonemal complex protein 1; plus strand). Cytogenetic location: 1p13.2.
Variant type: single nucleotide variant.
Coding change: c.2578C>T on transcript NM_003176.4 (MANE Select); coding-DNA position 2578, C replaced by T.
Protein change: p.Pro860Ser; replaces proline 860 with serine.
Molecular consequence: missense variant. On other transcripts: non-coding transcript variant (1).
Genome position (GRCh38, 1-based): chr1:114,984,743, C>T. VCF-style: chr1-114984743-C-T. GRCh37 (hg19) VCF-style: chr1-115527364-C-T.
Other names: c.2578C>T, p.Pro860Ser (NM_001282541.2); c.2503C>T, p.Pro835Ser (NM_001282542.2); short protein forms P835S, P860S.
Identifiers: ClinVar variation 2639011 (VCV002639011.24), dbSNP rs150731809, ClinGen allele CA1022431.